The following is an entry in ClinVar:

NM_014905.5(GLS):c.790T>A (p.Ser264Thr)

Gene: GLS (glutaminase; plus strand). Cytogenetic location: 2q32.2.
Variant type: single nucleotide variant.
Coding change: c.790T>A on transcript NM_014905.5 (MANE Select); coding-DNA position 790, T replaced by A.
Protein change: p.Ser264Thr; replaces serine 264 with threonine.
Molecular consequence: missense variant.
Genome position (GRCh38, 1-based): chr2:190,902,001, T>A. VCF-style: chr2-190902001-T-A. GRCh37 (hg19) VCF-style: chr2-191766727-T-A.
Other names: c.790T>A, p.Ser264Thr (NM_001256310.2, NM_001437282.1, NM_001437283.1); short protein forms S264T.
Identifiers: ClinVar variation 4281993 (VCV004281993.1).

ClinVar aggregate classification (germline): Uncertain significance (1 of 4 stars; one submission).

Submission:

GeneDx
Classification: Uncertain significance. Last evaluated: 2025-04-09. Review status: criteria provided, single submitter. Criteria: GeneDx Variant Classification Process June 2021. Collection method: clinical testing. Allele origin: germline. Affected: yes.
Comment: Not observed at significant frequency in large population cohorts (gnomAD); In silico analysis supports that this missense variant has a deleterious effect on protein structure/function; Has not been previously published as pathogenic or benign to our knowledge